The following is an entry in ClinVar:

NM_020401.4(NUP107):c.8+10G>A

Gene: NUP107 (nucleoporin 107; plus strand). Cytogenetic location: 12q15.
Variant type: single nucleotide variant.
Coding change: c.8+10G>A on transcript NM_020401.4 (MANE Select); 10 bases into the intron after coding-DNA position 8, G replaced by A.
Molecular consequence: intron variant.
Genome position (GRCh38, 1-based): chr12:68,687,083, G>A. VCF-style: chr12-68687083-G-A. GRCh37 (hg19) VCF-style: chr12-69080863-G-A.
Other names: c.-108+10G>A (NM_001330192.2).
Identifiers: ClinVar variation 3029331 (VCV003029331.2), dbSNP rs2499203986, ClinGen allele CA2619753767.

ClinVar aggregate classification (germline): Likely benign (0 of 4 stars; one submission).

Conditions:
NUP107-related disorder. Also called: NUP107-related condition.

Allele frequency attached by ClinVar (database versions not stated): gnomAD exomes below 0.00001.
gnomAD v4.1: 1 of 1,614,034 alleles (0.000062%); highest among the groups gnomAD compares: Admixed American, 0.0017%; no homozygotes.

Submission:

PreventionGenetics, part of Exact Sciences
Classification: Likely benign for NUP107-related condition. Last evaluated: 2021-06-15. Review status: no assertion criteria provided. Collection method: clinical testing. Allele origin: germline.
Comment: This variant is classified as likely benign based on ACMG/AMP sequence variant interpretation guidelines (Richards et al. 2015 PMID: 25741868, with internal and published modifications).